The following is an entry in ClinVar:

ClinVar aggregate classification (germline): Likely pathogenic. Review status: criteria provided, multiple submitters, no conflicts (2 of 4 stars). 3 submissions from 3 submitters: Likely pathogenic (2). 1 of the submissions does not count toward it. Last evaluated 2023-12-19.

Conditions:
Walker-Warburg congenital muscular dystrophy. Also called: Muscular dystrophy-dystroglycanopathy, type A; Walker-Warburg syndrome. Identifiers: Orphanet 899, MedGen C0265221, MONDO:0000171.
Muscular dystrophy-dystroglycanopathy (congenital with brain and eye anomalies), type A, 4 (MDDGA4). Also called: WALKER-WARBURG SYNDROME OR MUSCLE-EYE-BRAIN DISEASE, FKTN-RELATED; Muscular dystrophy, congenital, with central nervous system involvement; Cerebromuscular dystrophy, Fukuyama type; Fukuyama congenital muscular dystrophy; Muscular dystrophy, congenital progressive, with mental retardation; Congenital muscular dystrophy-dystroglycanopathy with brain and eye anomalies, type A4. Identifiers: Orphanet 272, Orphanet 588, Orphanet 899, MedGen C0410174, MONDO:0009678, OMIM 253800.
Dilated cardiomyopathy 1X (CMD1X). Also called: CARDIOMYOPATHY, DILATED, WITH MILD OR NO PROXIMAL MUSCLE WEAKNESS; FKTN-Related Dilated Cardiomyopathy. Identifiers: Orphanet 154, MedGen C1969024, MONDO:0012704, OMIM 611615.

gnomAD v4.1: 1 of 1,614,142 alleles (0.000062%); highest among the groups gnomAD compares: Non-Finnish European, 0.000085%; no homozygotes.

Submissions (3):

Baylor Genetics
Classification: Likely pathogenic for Dilated cardiomyopathy 1X. Last evaluated: 2023-12-19. Review status: criteria provided, single submitter. Criteria: ACMG Guidelines, 2015. Collection method: clinical testing. Allele origin: unknown.

Labcorp Genetics (formerly Invitae), Labcorp
Classification: Likely pathogenic for Walker-Warburg congenital muscular dystrophy. Last evaluated: 2023-12-09. Review status: criteria provided, single submitter. Criteria: Invitae Variant Classification Sherloc (09022015). Collection method: clinical testing. Allele origin: germline.
Comment: This sequence change replaces alanine, which is neutral and non-polar, with glutamic acid, which is acidic and polar, at codon 170 of the FKTN protein (p.Ala170Glu). This variant is not present in population databases (gnomAD no frequency). This missense change has been observed in individual(s) with FKTN-related conditions (PMID: 19179078). In at least one individual the data is consistent with being in trans (on the opposite chromosome) from a pathogenic variant. It has also been observed to segregate with disease in related individuals. ClinVar contains an entry for this variant (Variation ID: 3214). Advanced modeling of protein sequence and biophysical properties (such as structural, functional, and spatial information, amino acid conservation, physicochemical variation, residue mobility, and thermodynamic stability) performed at Invitae indicates that this missense variant is not expected to disrupt FKTN protein function with a negative predictive value of 80%. Experimental studies have shown that this missense change affects FKTN function (PMID: 22275357). In summary, the currently available evidence indicates that the variant is pathogenic, but additional data are needed to prove that conclusively. Therefore, this variant has been classified as Likely Pathogenic.

OMIM
Classification: Pathogenic for MUSCULAR DYSTROPHY-DYSTROGLYCANOPATHY (CONGENITAL WITH BRAIN AND EYE ANOMALIES), TYPE A, 4. Last evaluated: 2012-03-09. Review status: no assertion criteria provided. Collection method: literature only. Allele origin: germline. Not counted in ClinVar's aggregate classification.

Literature cited by the submitters: PubMed 19179078 (cited by Labcorp Genetics (formerly Invitae), Labcorp and OMIM); PubMed 22275357 (cited by Labcorp Genetics (formerly Invitae), Labcorp and OMIM).

NM_001079802.2(FKTN):c.509C>A (p.Ala170Glu)

Gene: FKTN (fukutin; plus strand). Cytogenetic location: 9q31.2.
Variant type: single nucleotide variant.
Coding change: c.509C>A on transcript NM_001079802.2 (MANE Select); coding-DNA position 509, C replaced by A.
Protein change: p.Ala170Glu; replaces alanine 170 with glutamic acid.
Molecular consequence: missense variant. On other transcripts: non-coding transcript variant (2).
Genome position (GRCh38, 1-based): chr9:105,604,354, C>A. VCF-style: chr9-105604354-C-A. GRCh37 (hg19) VCF-style: chr9-108366635-C-A.
Other names: c.509C>A, p.Ala170Glu (NM_001198963.2, NM_001351496.2, NM_001351498.2 and 1 more transcripts); c.440C>A, p.Ala147Glu (NM_001351497.2); c.113C>A, p.Ala38Glu (NM_001351499.2, NM_001351500.2, NM_001351501.2 and 1 more transcripts); short protein forms A170E, A38E, A147E.
Identifiers: ClinVar variation 3214 (VCV000003214.7), dbSNP rs119464997, ClinGen allele CA116080.